The following is an entry in ClinVar:

ClinVar aggregate classification (germline): Uncertain significance (1 of 4 stars; one submission).

Submission:

Labcorp Genetics (formerly Invitae), Labcorp
Classification: Uncertain significance. Last evaluated: 2024-02-17. Review status: criteria provided, single submitter. Criteria: Invitae Variant Classification Sherloc (09022015). Collection method: clinical testing. Allele origin: germline.
Comment: This sequence change replaces leucine, which is neutral and non-polar, with proline, which is neutral and non-polar, at codon 2291 of the NBAS protein (p.Leu2291Pro). This variant is not present in population databases (gnomAD no frequency). This variant has not been reported in the literature in individuals affected with NBAS-related conditions. ClinVar contains an entry for this variant (Variation ID: 2122728). Advanced modeling of protein sequence and biophysical properties (such as structural, functional, and spatial information, amino acid conservation, physicochemical variation, residue mobility, and thermodynamic stability) performed at Invitae indicates that this missense variant is not expected to disrupt NBAS protein function with a negative predictive value of 80%. In summary, the available evidence is currently insufficient to determine the role of this variant in disease. Therefore, it has been classified as a Variant of Uncertain Significance.

NM_015909.4(NBAS):c.6872T>C (p.Leu2291Pro)

Gene: NBAS (NBAS subunit of NRZ tethering complex; minus strand). Cytogenetic location: 2p24.3.
Variant type: single nucleotide variant.
Coding change: c.6872T>C on transcript NM_015909.4 (MANE Select); coding-DNA position 6872, T replaced by C.
Protein change: p.Leu2291Pro; replaces leucine 2291 with proline.
Molecular consequence: missense variant. On other transcripts: non-coding transcript variant (1).
Genome position (GRCh38, 1-based): chr2:15,167,292, A>G on the plus strand (T>C on the coding strand, the complement: NBAS is on the minus strand). VCF-style: chr2-15167292-A-G. GRCh37 (hg19) VCF-style: chr2-15307416-A-G.
Other names: short protein forms L2291P.
Identifiers: ClinVar variation 2122728 (VCV002122728.4), dbSNP rs2527906215, ClinGen allele CA345912133.